The following is an entry in ClinVar:

ClinVar aggregate classification (germline): Conflicting classifications of pathogenicity. Review status: criteria provided, conflicting classifications (1 of 4 stars). 4 submissions from 4 submitters: Uncertain significance (2); Likely benign (2). Last evaluated 2026-01-11.

Conditions:
Fraser syndrome 2 (FRASRS2). Identifiers: MedGen C4540036, MONDO:0054738, OMIM 617666.

Allele frequency attached by ClinVar (database versions not stated): gnomAD 0.00006 and 0.00012; gnomAD exomes 0.00006 and 0.00028; TOPMed 0.00013; ExAC 0.00030; 1000 Genomes Project 0.00140; 1000 Genomes Project 30x 0.00141.
gnomAD v4.1: 110 of 1,613,906 alleles (0.0068%); highest among the groups gnomAD compares: East Asian, 0.19%; 1 homozygote.

Submissions (4):

Labcorp Genetics (formerly Invitae), Labcorp
Classification: Likely benign. Last evaluated: 2026-01-11. Review status: criteria provided, single submitter. Criteria: Invitae Variant Classification Sherloc (09022015). Collection method: clinical testing. Allele origin: germline.

GeneDx
Classification: Uncertain significance. Last evaluated: 2025-01-17. Review status: criteria provided, single submitter. Criteria: GeneDx Variant Classification Process June 2021. Collection method: clinical testing. Allele origin: germline. Affected: yes.
Comment: In silico analysis supports that this missense variant has a deleterious effect on protein structure/function; Has not been previously published as pathogenic or benign to our knowledge

Blueprint Genetics
Classification: Uncertain significance. Last evaluated: 2024-05-30. Review status: criteria provided, single submitter. Criteria: ACMG Guidelines, 2015. Collection method: clinical testing. Allele origin: germline.

Illumina Laboratory Services, Illumina
Classification: Likely benign for Fraser syndrome 2. Last evaluated: 2018-01-12. Review status: criteria provided, single submitter. Criteria: ICSL Variant Classification Criteria 13 December 2019. Collection method: clinical testing. Allele origin: germline.
Comment: This variant was observed in the ICSL laboratory as part of a predisposition screen in an ostensibly healthy population. It had not been previously curated by ICSL or reported in the Human Gene Mutation Database (HGMD: prior to June 1st, 2018), and was therefore a candidate for classification through an automated scoring system. Utilizing variant allele frequency, disease prevalence and penetrance estimates, and inheritance mode, an automated score was calculated to assess if this variant is too frequent to cause the disease. Based on the score and internal cut-off values, a variant classified as likely benign is not then subjected to further curation. The score for this variant resulted in a classification of likely benign for this disease.

NM_207361.6(FREM2):c.1647C>A (p.Phe549Leu)

Gene: FREM2 (FRAS1 related extracellular matrix 2; plus strand). Cytogenetic location: 13q13.3.
Variant type: single nucleotide variant.
Coding change: c.1647C>A on transcript NM_207361.6 (MANE Select); coding-DNA position 1647, C replaced by A.
Protein change: p.Phe549Leu; replaces phenylalanine 549 with leucine.
Molecular consequence: missense variant.
Genome position (GRCh38, 1-based): chr13:38,688,991, C>A. VCF-style: chr13-38688991-C-A. GRCh37 (hg19) VCF-style: chr13-39263128-C-A.
Other names: short protein forms F549L.
Identifiers: ClinVar variation 311950 (VCV000311950.16), dbSNP rs114341997, ClinGen allele CA6954455.
Genomic context (GRCh38, chr13:38,688,991, plus strand): 5'-CGACAACCTGGTGCTTCGCATGGTGGATGGAGGAGGCAGGCACCAGGTACAGTTTCTGTT[C>A]CCCATCACCTTAGTGCCTGTGGATGACCAGCCACCTGTTCTCAATGCCAACACGGGGCTG-3'
Protein context (NP_997244.4, residues 539-559): GGGRHQVQFL[Phe549Leu]PITLVPVDDQ